The following is an entry in ClinVar:

NC_000007.14:g.(?_117664660)_(117665584_?)del

Gene: CFTR (CF transmembrane conductance regulator; plus strand). Cytogenetic location: 7q31.2.
Variant type: Deletion.
Identifiers: ClinVar variation 832013 (VCV000832013.1).

ClinVar aggregate classification (germline): Pathogenic (1 of 4 stars; one submission).

Conditions:
Cystic fibrosis (CF). Also called: MUCOVISCIDOSIS. Identifiers: Orphanet 586, MedGen C0010674, MONDO:0009061, OMIM 219700. Disease mechanism: loss of function.

Submission:

Labcorp Genetics (formerly Invitae), Labcorp
Classification: Pathogenic for Cystic fibrosis. Last evaluated: 2019-07-11. Review status: criteria provided, single submitter. Criteria: Invitae Variant Classification Sherloc (09022015). Collection method: clinical testing. Allele origin: germline.
Comment: This variant is an in-frame deletion of the genomic region encompassing exons 25-26 of the CFTR gene. It preserves the integrity of the reading frame. This variant has been reported in several individuals affected with cystic fibrosis (PMID: 15024729, 16362824, 18683213) and has been observed on the opposite chromosome (in trans) from a pathogenic variant in an individual affected with cystic fibrosis (PMID: 26574590). This finding is consistent with autosomal recessive inheritance, and suggests that this variant contributes to disease. This variant is also known as deletion of exons 22-23 in the literature. ClinVar contains an entry for this variant (Variation ID: 66104). This variant disrupts the nucleotide binding domain (NBD2) of the CFTR protein, which is essential for ATP hydrolysis and proper CFTR function (PMID: 15284228). For these reasons, this variant has been classified as Pathogenic.

Literature cited by the submitters: PubMed 15024729; PubMed 26574590; PubMed 18683213; PubMed 15284228; PubMed 16362824.